The following is an entry in ClinVar:

ClinVar aggregate classification (germline): Uncertain significance. Review status: criteria provided, multiple submitters, no conflicts (2 of 4 stars). 2 submissions from 2 submitters: Uncertain significance (2). Last evaluated 2015-01-21.

Conditions:
Inborn genetic diseases. Identifiers: MedGen C0950123, MeSH D030342.

Submissions (2):

Genetic Services Laboratory, University of Chicago
Classification: Uncertain significance. Last evaluated: 2015-01-21. Review status: criteria provided, single submitter. Criteria: ACMG Guidelines, 2015. Collection method: clinical testing. Allele origin: germline.

Ambry Genetics
Classification: Uncertain significance for Inborn genetic diseases. Last evaluated: 2014-07-25. Review status: criteria provided, single submitter. Criteria: Ambry Variant Classification Scheme 2023. Collection method: clinical testing. Allele origin: germline.
Comment: The p.P203L variant (also known as c.608C>T), located in coding exon 5 of the KDM5C gene, results from a C to T substitution at nucleotide position 608. The proline at codon 203 is replaced by leucine, an amino acid with similar properties. This variant was not reported in population based cohorts in the following databases: Database of Single Nucleotide Polymorphisms (dbSNP), NHLBI Exome Sequencing Project (ESP), and 1000 Genomes Project. In the ESP, this variant was not observed in 6503 samples with coverage at this position. This amino acid position is completely conserved on sequence alignment. In addition, the in silico prediction for this alteration is inconclusive. Since supporting evidence is limited at this time, the clinical significance of this variant remains unclear.

NM_004187.5(KDM5C):c.608C>T (p.Pro203Leu)

Gene: KDM5C (lysine demethylase 5C; minus strand). Cytogenetic location: Xp11.22.
Variant type: single nucleotide variant.
Coding change: c.608C>T on transcript NM_004187.5 (MANE Select); coding-DNA position 608, C replaced by T.
Protein change: p.Pro203Leu; replaces proline 203 with leucine.
Molecular consequence: missense variant. On other transcripts: non-coding transcript variant (3).
Genome position (GRCh38, 1-based): chrX:53,217,192, G>A on the plus strand (C>T on the coding strand, the complement: KDM5C is on the minus strand). VCF-style: chrX-53217192-G-A. GRCh37 (hg19) VCF-style: chrX-53246374-G-A.
Other names: c.407C>T, p.Pro136Leu (NM_001146702.2); c.605C>T, p.Pro202Leu (NM_001282622.3, NM_001353979.2, NM_001353982.2); c.608C>T, p.Pro203Leu (NM_001353978.3, NM_001353981.2, NM_001353984.2); short protein forms P203L, P202L, P136L.
Identifiers: ClinVar variation 211253 (VCV000211253.8), dbSNP rs797045641, ClinGen allele CA209464.